The following is an entry in ClinVar:

ClinVar aggregate classification (germline): Likely benign. Review status: criteria provided, multiple submitters, no conflicts (2 of 4 stars). 2 submissions from 2 submitters: Likely benign (2). Last evaluated 2023-05-22.

Conditions:
Alstrom syndrome (ALMS). Identifiers: Orphanet 64, MedGen C0268425, MONDO:0008763, OMIM 203800.
ALMS1-related disorder. Also called: ALMS1-related condition.

Submissions (2):

Labcorp Genetics (formerly Invitae), Labcorp
Classification: Likely benign for Alstrom syndrome. Last evaluated: 2023-05-22. Review status: criteria provided, single submitter. Criteria: Invitae Variant Classification Sherloc (09022015). Collection method: clinical testing. Allele origin: germline.

PreventionGenetics, part of Exact Sciences
Classification: Likely benign for ALMS1-related condition. Last evaluated: 2020-10-16. Review status: criteria provided, single submitter. Criteria: ACMG Guidelines, 2015. Collection method: clinical testing. Allele origin: germline.
Comment: This variant is classified as likely benign based on ACMG/AMP sequence variant interpretation guidelines (Richards et al. 2015 PMID: 25741868, with internal and published modifications).

NM_001378454.1(ALMS1):c.10131A>G (p.Lys3377=)

Gene: ALMS1 (ALMS1 centrosome and basal body associated protein; plus strand). Cytogenetic location: 2p13.1.
Variant type: single nucleotide variant.
Coding change: c.10131A>G on transcript NM_001378454.1 (MANE Select); coding-DNA position 10131, A replaced by G.
Protein change: p.Lys3377=; no amino-acid change (lysine 3377 retained).
Molecular consequence: synonymous variant.
Genome position (GRCh38, 1-based): chr2:73,557,272, A>G. VCF-style: chr2-73557272-A-G. GRCh37 (hg19) VCF-style: chr2-73784399-A-G.
Other names: c.10134A>G, p.Lys3378= (NM_015120.4).
Identifiers: ClinVar variation 2737538 (VCV002737538.4), dbSNP rs2466402647, ClinGen allele CA426769463.
Genomic context (GRCh38, chr2:73,557,272, plus strand): 5'-TATTCCAGATGCCTCAGTTCAAGTGCTAATCACTGGGGATGAGAACCTCTCAGACAAAAA[A>G]CAGCAAGAGATTCACAGTACAAGGGCAGTGACTGAGGCTGCCCAGGCTAAAGAAAAAGAA-3'
Protein context (NP_001365383.1, residues 3367-3387): ITGDENLSDK[Lys3377=]QQEIHSTRAV